The following is an entry in ClinVar:

NM_000051.4(ATM):c.8992A>G (p.Ile2998Val)

Genes: ATM (ATM serine/threonine kinase; plus strand), C11orf65 (chromosome 11 open reading frame 65; minus strand). Cytogenetic location: 11q22.3.
Variant type: single nucleotide variant.
Coding change: c.8992A>G on transcript NM_000051.4 (MANE Select); coding-DNA position 8992, A replaced by G.
Protein change: p.Ile2998Val; replaces isoleucine 2998 with valine.
Molecular consequence: missense variant. On other transcripts: intron variant (2).
Genome position (GRCh38, 1-based): chr11:108,365,329, A>G. VCF-style: chr11-108365329-A-G. GRCh37 (hg19) VCF-style: chr11-108236056-A-G.
Other names: c.8992A>G, p.Ile2998Val (NM_001351834.2); c.640+20591T>C (NM_001330368.2); c.694+20591T>C (NM_001351110.2); short protein forms I2998V.
Identifiers: ClinVar variation 630691 (VCV000630691.14), dbSNP rs1565608692, ClinGen allele CA382530787.

ClinVar aggregate classification (germline): Uncertain significance. Review status: criteria provided, multiple submitters, no conflicts (2 of 4 stars). 3 submissions from 3 submitters: Uncertain significance (3). Last evaluated 2024-03-02.

Conditions:
Hereditary cancer-predisposing syndrome. Also called: Tumor predisposition; Hereditary neoplastic syndrome; Neoplastic Syndromes, Hereditary; Hereditary Cancer Syndrome. Identifiers: Orphanet 140162, MedGen C0027672, MeSH D009386, MONDO:0015356.
Ataxia-telangiectasia syndrome (AT). Also called: Ataxia-telangiectasia, complementation group D; AT, COMPLEMENTATION GROUP C; ATAXIA-TELANGIECTASIA, COMPLEMENTATION GROUP A; ATAXIA-TELANGIECTASIA, FRESNO VARIANT; Ataxia-telangiectasia; LOUIS-BAR SYNDROME. Identifiers: Orphanet 100, MedGen C0004135, MONDO:0008840, OMIM 208900.

Submissions (3):

Ambry Genetics
Classification: Uncertain significance for Hereditary cancer-predisposing syndrome. Last evaluated: 2024-03-02. Review status: criteria provided, single submitter. Criteria: Ambry Variant Classification Scheme 2023. Collection method: clinical testing. Allele origin: germline.
Comment: The p.I2998V variant (also known as c.8992A>G), located in coding exon 62 of the ATM gene, results from an A to G substitution at nucleotide position 8992. The isoleucine at codon 2998 is replaced by valine, an amino acid with highly similar properties. This amino acid position is conserved. In addition, this alteration is predicted to be tolerated by in silico analysis. Based on the available evidence, the clinical significance of this alteration remains unclear.

Labcorp Genetics (formerly Invitae), Labcorp
Classification: Uncertain significance for Ataxia-telangiectasia syndrome. Last evaluated: 2024-02-27. Review status: criteria provided, single submitter. Criteria: Invitae Variant Classification Sherloc (09022015). Collection method: clinical testing. Allele origin: germline.
Comment: This sequence change replaces isoleucine, which is neutral and non-polar, with valine, which is neutral and non-polar, at codon 2998 of the ATM protein (p.Ile2998Val). This variant is not present in population databases (gnomAD no frequency). This variant has not been reported in the literature in individuals affected with ATM-related conditions. ClinVar contains an entry for this variant (Variation ID: 630691). An algorithm developed to predict the effect of missense changes on protein structure and function (PolyPhen-2) suggests that this variant is likely to be tolerated. In summary, the available evidence is currently insufficient to determine the role of this variant in disease. Therefore, it has been classified as a Variant of Uncertain Significance.

Color Diagnostics, LLC DBA Color Health
Classification: Uncertain significance for Hereditary cancer-predisposing syndrome. Last evaluated: 2023-12-05. Review status: criteria provided, single submitter. Criteria: ACMG Guidelines, 2015. Collection method: clinical testing. Allele origin: germline.
Comment: This missense variant replaces isoleucine with valine at codon 2998 of the ATM protein. Computational prediction suggests that this variant may not impact protein structure and function (internally defined REVEL score threshold <= 0.5, PMID: 27666373). To our knowledge, functional studies have not been reported for this variant. This variant has not been reported in individuals affected with ATM-related disorders in the literature. This variant has not been identified in the general population by the Genome Aggregation Database (gnomAD). The available evidence is insufficient to determine the role of this variant in disease conclusively. Therefore, this variant is classified as a Variant of Uncertain Significance.